The following is an entry in ClinVar:

ClinVar aggregate classification (germline): Benign/Likely benign. Review status: criteria provided, multiple submitters, no conflicts (2 of 4 stars). 6 submissions from 6 submitters: Benign (1); Likely benign (5). Last evaluated 2026-01-21.

Conditions:
Hereditary cancer-predisposing syndrome. Also called: Tumor predisposition; Hereditary Cancer Syndrome; Neoplastic Syndromes, Hereditary; Hereditary neoplastic syndrome. Identifiers: Orphanet 140162, MedGen C0027672, MeSH D009386, MONDO:0015356.
Familial cancer of breast. Also called: Hereditary breast cancer; hereditary breast carcinoma; BREAST CANCER, FAMILIAL. Identifiers: Orphanet 227535, MedGen C0346153, MONDO:0016419, OMIM 114480. Disease mechanism: loss of function.
Ataxia-telangiectasia syndrome (AT). Also called: Cerebello-oculocutaneous telangiectasia; Immunodeficiency with ataxia telangiectasia; Ataxia-telangiectasia, complementation group D; AT, COMPLEMENTATION GROUP C; Ataxia-telangiectasia, complementation group E; LOUIS-BAR SYNDROME. Identifiers: Orphanet 100, MedGen C0004135, MONDO:0008840, OMIM 208900.

Allele frequency attached by ClinVar (database versions not stated): gnomAD exomes below 0.00001 and 0.00001; ExAC 0.00001; gnomAD 0.00001.
gnomAD v4.1: 7 of 1,613,744 alleles (0.00043%); highest among the groups gnomAD compares: African/African-American, 0.004%; no homozygotes.

Submissions (6):

Labcorp Genetics (formerly Invitae), Labcorp
Classification: Likely benign for Ataxia-telangiectasia syndrome. Last evaluated: 2026-01-21. Review status: criteria provided, single submitter. Criteria: Invitae Variant Classification Sherloc (09022015). Collection method: clinical testing. Allele origin: germline.

Myriad Genetics, Inc.
Classification: Benign for Familial cancer of breast. Last evaluated: 2024-04-22. Review status: criteria provided, single submitter. Criteria: Myriad Autosomal Dominant, Autosomal Recessive and X-Linked Classification Criteria (2023). Collection method: clinical testing. Allele origin: unknown.
Comment: This variant is considered benign. This variant is a silent/synonymous amino acid change and it is not expected to impact splicing.

Sema4
Classification: Likely benign for Hereditary cancer-predisposing syndrome. Last evaluated: 2020-10-09. Review status: criteria provided, single submitter. Criteria: Sema4 Curation Guidelines. Collection method: curation. Allele origin: germline.

Color Diagnostics, LLC DBA Color Health
Classification: Likely benign for Hereditary cancer-predisposing syndrome. Last evaluated: 2018-11-29. Review status: criteria provided, single submitter. Criteria: ACMG Guidelines, 2015. Collection method: clinical testing. Allele origin: germline.

GeneDx
Classification: Likely benign. Last evaluated: 2018-06-29. Review status: criteria provided, single submitter. Criteria: GeneDx Variant Classification Process June 2021. Collection method: clinical testing. Allele origin: germline. Affected: yes.

Ambry Genetics
Classification: Likely benign for Hereditary cancer-predisposing syndrome. Last evaluated: 2016-11-16. Review status: criteria provided, single submitter. Criteria: Ambry Variant Classification Scheme 2023. Collection method: clinical testing. Allele origin: germline.

NM_000051.4(ATM):c.717C>T (p.Phe239=)

Gene: ATM (ATM serine/threonine kinase; plus strand). Cytogenetic location: 11q22.3.
Variant type: single nucleotide variant.
Coding change: c.717C>T on transcript NM_000051.4 (MANE Select); coding-DNA position 717, C replaced by T.
Protein change: p.Phe239=; no amino-acid change (phenylalanine 239 retained).
Molecular consequence: synonymous variant.
Genome position (GRCh38, 1-based): chr11:108,244,842, C>T. VCF-style: chr11-108244842-C-T. GRCh37 (hg19) VCF-style: chr11-108115569-C-T.
Other names: c.717C>T, p.Phe239= (NM_001351834.2).
Identifiers: ClinVar variation 453662 (VCV000453662.20), dbSNP rs779410490, ClinGen allele CA6264674.